The following is an entry in ClinVar:

NM_005591.4(MRE11):c.545-297G>T

Gene: MRE11 (MRE11 double strand break repair nuclease; minus strand). Cytogenetic location: 11q21.
Variant type: single nucleotide variant.
Coding change: c.545-297G>T on transcript NM_005591.4 (MANE Select); 297 bases into the intron before coding-DNA position 545, G replaced by T.
Molecular consequence: intron variant.
Genome position (GRCh38, 1-based): chr11:94,476,700, C>A on the plus strand (G>T on the coding strand, the complement: MRE11 is on the minus strand). VCF-style: chr11-94476700-C-A. GRCh37 (hg19) VCF-style: chr11-94209866-C-A.
Other names: c.545-297G>T (NM_001330347.2, NM_005590.4).
Identifiers: ClinVar variation 60660 (VCV000060660.1), dbSNP rs118024137, ClinGen allele CA144601.
Genomic context (GRCh38, chr11:94,476,700, plus strand): 5'-AAGCAATCCTCTCGCCTCAGCCTCCCAAAGTGCTGGGATTACAAGCATAAGCCACCATGC[C>A]TAGCTGTTTCAGGGTTTTTTTTCTTTTCTTTTCTTTTCTAAACACAGTCTTGCTCCATTG-3'

ClinVar aggregate classification (germline): other (0 of 4 stars; one submission).

Conditions:
Malignant tumor of urinary bladder. Also called: Urinary bladder cancer; Urinary Bladder Neoplasms; Bladder cancer. Identifiers: MedGen C0005684, MONDO:0001187, OMIM 109800.

Allele frequency attached by ClinVar (database versions not stated): 1000 Genomes Project 30x 0.00125; 1000 Genomes Project 0.00140; TOPMed 0.00252; gnomAD 0.00269 and 0.00272.
gnomAD v4.1: 403 of 151,988 alleles (0.27%); highest among the groups gnomAD compares: Non-Finnish European, 0.45%; 1 homozygote.

Submission:

Gray Institute for Radiation Oncology & Biology, University of Oxford
Classification: other. Review status: no assertion criteria provided. Collection method: not provided. Allele origin: germline.
Comment: Detected by next-generation sequencing & confirmed by Sanger sequencing